The following is an entry in ClinVar:

NM_015512.5(DNAH1):c.4335G>A (p.Trp1445Ter)

Gene: DNAH1 (dynein axonemal heavy chain 1; plus strand). Cytogenetic location: 3p21.1.
Variant type: single nucleotide variant.
Coding change: c.4335G>A on transcript NM_015512.5 (MANE Select); coding-DNA position 4335, G replaced by A.
Protein change: p.Trp1445Ter; replaces tryptophan 1445 with a stop codon.
Molecular consequence: nonsense.
Genome position (GRCh38, 1-based): chr3:52,359,314, G>A. VCF-style: chr3-52359314-G-A. GRCh37 (hg19) VCF-style: chr3-52393330-G-A.
Other names: short protein forms W1445*.
Identifiers: ClinVar variation 4786193 (VCV004786193.1).

ClinVar aggregate classification (germline): Pathogenic (1 of 4 stars; one submission).

Conditions:
Spermatogenic failure 18. Identifiers: MedGen C4539783, MONDO:0054615, OMIM 617576.
Ciliary dyskinesia, primary, 37 (CILD37). Also called: CILIARY DYSKINESIA, PRIMARY, 37, WITH OR WITHOUT SITUS INVERSUS. Identifiers: MedGen C4539798, MONDO:0033204, OMIM 617577.

Submission:

Labcorp Genetics (formerly Invitae), Labcorp
Classification: Pathogenic for Ciliary dyskinesia, primary, 37; Spermatogenic failure 18. Last evaluated: 2025-09-28. Review status: criteria provided, single submitter. Criteria: Invitae Variant Classification Sherloc (09022015). Collection method: clinical testing. Allele origin: germline.
Comment: This sequence change creates a premature translational stop signal (p.Trp1445*) in the DNAH1 gene. It is expected to result in an absent or disrupted protein product. Loss-of-function variants in DNAH1 are known to be pathogenic (PMID: 27573432, 27798045). This variant is not present in population databases (gnomAD no frequency). This variant has not been reported in the literature in individuals affected with DNAH1-related conditions. Algorithms developed to predict the effect of sequence changes on RNA splicing suggest that this variant may disrupt the consensus splice site. For these reasons, this variant has been classified as Pathogenic.

Literature cited by the submitters: PubMed 27573432; PubMed 27798045.